The following is an entry in ClinVar:

ClinVar aggregate classification (germline): Uncertain significance. Review status: criteria provided, multiple submitters, no conflicts (2 of 4 stars). 3 submissions from 3 submitters: Uncertain significance (3). Last evaluated 2024-10-17.

Conditions:
Leukoencephalopathy with vanishing white matter 1 (VWM1). Also called: Vanishing white matter leukodystrophy; CHILDHOOD ATAXIA WITH CENTRAL NERVOUS SYSTEM HYPOMYELINIZATION; Cree leukoencephalopathy; EIF2B1-Related Childhood Ataxia with Central Nervous System Hypomyelination/Vanishing White Matter. Identifiers: Orphanet 99854, MedGen C5779972, MONDO:0020507, OMIM 603896.
Inborn genetic diseases. Identifiers: MedGen C0950123, MeSH D030342.

Allele frequency attached by ClinVar (database versions not stated): ESP Exome Variant Server 0.00008.

Submissions (3):

Labcorp Genetics (formerly Invitae), Labcorp
Classification: Uncertain significance. Last evaluated: 2024-10-17. Review status: criteria provided, single submitter. Criteria: Invitae Variant Classification Sherloc (09022015). Collection method: clinical testing. Allele origin: germline.
Comment: This sequence change replaces proline, which is neutral and non-polar, with leucine, which is neutral and non-polar, at codon 611 of the EIF2B5 protein (p.Pro611Leu). This variant is present in population databases (rs374710986, gnomAD 0.02%). This variant has not been reported in the literature in individuals affected with EIF2B5-related conditions. ClinVar contains an entry for this variant (Variation ID: 2043713). Invitae Evidence Modeling of protein sequence and biophysical properties (such as structural, functional, and spatial information, amino acid conservation, physicochemical variation, residue mobility, and thermodynamic stability) indicates that this missense variant is not expected to disrupt EIF2B5 protein function with a negative predictive value of 95%. In summary, the available evidence is currently insufficient to determine the role of this variant in disease. Therefore, it has been classified as a Variant of Uncertain Significance.

Ambry Genetics
Classification: Uncertain significance for Inborn genetic diseases. Last evaluated: 2024-05-14. Review status: criteria provided, single submitter. Criteria: Ambry Variant Classification Scheme 2023. Collection method: clinical testing. Allele origin: germline.

Neuberg Centre For Genomic Medicine, NCGM
Classification: Uncertain significance for Leukoencephalopathy with vanishing white matter 1. Review status: criteria provided, single submitter. Criteria: ACMG Guidelines, 2015. Collection method: clinical testing. Allele origin: germline. Inheritance: Autosomal recessive inheritance. Affected: yes.
Comment: The missense variant in c.1832C>T (p.Pro611Leu) in EIF2B5 gene has not been reported previously as a pathogenic variant nor as a benign variant, to our knowledge. The p.Pro611Leu variant is novel (not in any individuals) in 1000 Genomes and has allele frequency of 0.003536% in gnomAD database. This variant has not been reported to the ClinVar database. The amino acid Pro at position 611 is changed to a Leu changing protein sequence and it might alter its composition and physico-chemical properties. The amino acid change p.Pro611Leu in EIF2B5 is predicted as conserved by GERP++ and PhyloP across 100 vertebrates. For these reasons, this variant has been classified as Uncertain Significance (VUS).

NM_003907.3(EIF2B5):c.1832C>T (p.Pro611Leu)

Gene: EIF2B5 (eukaryotic translation initiation factor 2B subunit epsilon; plus strand). Cytogenetic location: 3q27.1.
Variant type: single nucleotide variant.
Coding change: c.1832C>T on transcript NM_003907.3 (MANE Select); coding-DNA position 1832, C replaced by T.
Protein change: p.Pro611Leu; replaces proline 611 with leucine.
Molecular consequence: missense variant.
Genome position (GRCh38, 1-based): chr3:184,143,528, C>T. VCF-style: chr3-184143528-C-T. GRCh37 (hg19) VCF-style: chr3-183861316-C-T.
Other names: c.1832C>T (NM_003907.2); short protein forms P611L.
Identifiers: ClinVar variation 2043713 (VCV002043713.4), dbSNP rs374710986, ClinGen allele CA2726819.